The following is an entry in ClinVar:

NM_005629.4(SLC6A8):c.639C>T (p.Phe213=)

Gene: SLC6A8 (solute carrier family 6 member 8; plus strand). Cytogenetic location: Xq28.
Variant type: single nucleotide variant.
Coding change: c.639C>T on transcript NM_005629.4 (MANE Select); coding-DNA position 639, C replaced by T.
Protein change: p.Phe213=; no amino-acid change (phenylalanine 213 retained).
Molecular consequence: synonymous variant.
Genome position (GRCh38, 1-based): chrX:153,691,548, C>T. VCF-style: chrX-153691548-C-T. GRCh37 (hg19) VCF-style: chrX-152957003-C-T.
Other names: c.639C>T, p.Phe213= (NM_001142805.2); c.294C>T, p.Phe98= (NM_001142806.1).
Identifiers: ClinVar variation 388370 (VCV000388370.9), dbSNP rs1057523082, ClinGen allele CA16609140.

ClinVar aggregate classification (germline): Likely benign. Review status: criteria provided, multiple submitters, no conflicts (2 of 4 stars). 2 submissions from 2 submitters: Likely benign (2). Last evaluated 2023-09-19.

Conditions:
Creatine transporter deficiency (CCDS1). Also called: SLC6A8-Related Creatine Transporter Deficiency; CREATINE TRANSPORTER DEFECT; CEREBRAL CREATINE DEFICIENCY SYNDROME 1; Mental retardation , X-linked with seizures, short stature and midface hypoplasia; Mental retardation , X-linked, with creatine transport deficiency; X-linked creatine transporter deficiency. Identifiers: Orphanet 52503, MedGen C1845862, MONDO:0010305, OMIM 300352.

Allele frequency attached by ClinVar (database versions not stated): gnomAD exomes 0.00002.

Submissions (2):

Labcorp Genetics (formerly Invitae), Labcorp
Classification: Likely benign for Creatine transporter deficiency. Last evaluated: 2023-09-19. Review status: criteria provided, single submitter. Criteria: Invitae Variant Classification Sherloc (09022015). Collection method: clinical testing. Allele origin: germline.

GeneDx
Classification: Likely benign. Last evaluated: 2016-08-09. Review status: criteria provided, single submitter. Criteria: GeneDx Variant Classification (06012015). Collection method: clinical testing. Allele origin: germline. Affected: yes.
Comment: This variant is considered likely benign or benign based on one or more of the following criteria: it is a conservative change, it occurs at a poorly conserved position in the protein, it is predicted to be benign by multiple in silico algorithms, and/or has population frequency not consistent with disease.